The following is an entry in ClinVar:

ClinVar aggregate classification (germline): Pathogenic (1 of 4 stars; one submission).

Submission:

Labcorp Genetics (formerly Invitae), Labcorp
Classification: Pathogenic. Last evaluated: 2021-08-04. Review status: criteria provided, single submitter. Criteria: Invitae Variant Classification Sherloc (09022015). Collection method: clinical testing. Allele origin: germline.
Comment: This variant is not present in population databases (ExAC no frequency). This sequence change affects a donor splice site in intron 12 of the COL4A5 gene. RNA analysis indicates that this variant induces altered splicing and likely results in a shortened protein product. Disruption of this splice site has been observed in individuals with X-linked Alport syndrome (PMID: 8738805, 19919694). This variant disrupts the triple helix domain of COL4A5. Glycine residues within the Gly-Xaa-Yaa repeats of the triple helix domain are required for the structure and stability of fibrillar collagens (PMID: 7695699, 8218237, 19344236). In COL4A5, missense variants at these glycine residues are significantly enriched in individuals with disease (PMID: 23720012, 27627812) compared to the general population (ExAC). For these reasons, this variant has been classified as Pathogenic. Studies have shown that disruption of this splice site results in skipping of exon 12, but is expected to preserve the integrity of the reading-frame (PMID: 22921432).

Literature cited by the submitters: PubMed 8738805; PubMed 19919694; PubMed 7695699; PubMed 8218237; PubMed 19344236; PubMed 23720012; PubMed 27627812; PubMed 22921432.

NM_033380.3(COL4A5):c.687+1G>C

Gene: COL4A5 (collagen type IV alpha 5 chain; plus strand). Cytogenetic location: Xq22.3.
Variant type: single nucleotide variant.
Coding change: c.687+1G>C on transcript NM_033380.3 (MANE Select); the canonical splice donor site of the intron after coding-DNA position 687, G replaced by C.
Molecular consequence: splice donor variant.
Genome position (GRCh38, 1-based): chrX:108,578,120, G>C. VCF-style: chrX-108578120-G-C. GRCh37 (hg19) VCF-style: chrX-107821350-G-C.
Other names: c.687+1G>C (NM_000495.5).
Identifiers: ClinVar variation 1376555 (VCV001376555.6), dbSNP rs104886440, ClinGen allele CA413923925.